The following is an entry in ClinVar:

NM_000179.3(MSH6):c.2534_2538del (p.Met844_Tyr845insTer)

Gene: MSH6 (mutS homolog 6; plus strand). Cytogenetic location: 2p16.3.
Variant type: Deletion.
Coding change: c.2534_2538del on transcript NM_000179.3 (MANE Select); coding-DNA positions 2534 to 2538, 5 bases deleted (ATGAA; older notation c.2534_2538delATGAA).
Protein change: p.Met844_Tyr845insTer.
Molecular consequence: nonsense. On other transcripts: non-coding transcript variant (5), intron variant (3).
Genome position (GRCh38, 1-based): chr2:47,800,517-47,800,521, ATGAA deleted. VCF-style (leftmost placement, unchanged base first): chr2-47800516-TATGAA-T. GRCh37 (hg19) VCF-style: chr2-48027655-TATGAA-T.
Other names: c.2144_2148del, p.Met714_Tyr715insTer (NM_001281492.2); c.1628_1632del, p.Met542_Tyr543insTer (NM_001281493.2, NM_001281494.2, NM_001406811.1 and 6 more transcripts); c.2630_2634del, p.Met876_Tyr877insTer (NM_001406795.1, NM_001406802.1); c.2534_2538del, p.Met844_Tyr845insTer (NM_001406796.1, NM_001406798.1, NM_001406800.1 and 2 more transcripts); c.2237_2241del, p.Met745_Tyr746insTer (NM_001406797.1, NM_001406801.1, NM_001406805.1 and 10 more transcripts); c.2009_2013del, p.Met669_Tyr670insTer (NM_001406799.1, NM_001406806.1, NM_001406807.1); c.2456_2460del, p.Met818_Tyr819insTer (NM_001406804.1); c.2540_2544del, p.Met846_Tyr847insTer (NM_001406813.1); and 4 more.
Identifiers: ClinVar variation 2673766 (VCV002673766.2), dbSNP rs2530678170, ClinGen allele CA2586969294.
Genomic context (GRCh38, chr2:47,800,516, plus strand): 5'-ATTCATAATGTTGGGTCTCCCCTGAAGAGTCAGAACCACCCAGACAGCAGGGCTATAATG[TATGAA>T]GAAACTACATACAGCAAGAAGAAGATTATTGATTTTCTTTCTGCTCTGGAAGGATTCAAA-3'

ClinVar aggregate classification (germline): Pathogenic/Likely pathogenic. Review status: criteria provided, multiple submitters, no conflicts (2 of 4 stars). 2 submissions from 2 submitters: Pathogenic (1); Likely pathogenic (1). Last evaluated 2023-08-17.

Conditions:
Lynch syndrome 5 (LYNCH5). Also called: Colorectal cancer, hereditary nonpolyposis, type 5; Hereditary non-polyposis colorectal cancer, type 5. Identifiers: Orphanet 144, MedGen C1833477, MONDO:0013710, OMIM 614350. Disease mechanism: loss of function.
Lynch syndrome. Identifiers: Orphanet 144, MedGen C4552100, MONDO:0005835. Disease mechanism: loss of function.

Allele frequency attached by ClinVar (database versions not stated): gnomAD exomes below 0.00001.

Submissions (2):

Myriad Genetics, Inc.
Classification: Pathogenic for Lynch syndrome 5. Last evaluated: 2023-08-17. Review status: criteria provided, single submitter. Criteria: Myriad Autosomal Dominant, Autosomal Recessive and X-Linked Classification Criteria (2023). Collection method: clinical testing. Allele origin: unknown.
Comment: This variant is considered pathogenic. This variant creates a termination codon and is predicted to result in premature protein truncation.

Laboratory for Molecular Medicine, Mass General Brigham Personalized Medicine
Classification: Likely pathogenic for Lynch syndrome. Last evaluated: 2019-05-08. Review status: criteria provided, single submitter. Criteria: ACMG Guidelines, 2015. Collection method: clinical testing. Allele origin: germline.
Comment: The p.Tyr845X variant in MSH6 has not been previously reported in individuals with Lynch Syndrome and was absent from large population studies. This nonsense variant leads to a premature termination codon at position 845, which is predicted to lead to a truncated or absent protein. Heterozygous loss of function of the MSH6 gene is an established disease mechanism in individuals with Lynch syndrome. In summary, this variant meets criteria to be classified as likely pathogenic for autosomal dominant Lynch syndrome. ACMG/AMP criteria applied: PVS1, PM2.